The following is an entry in ClinVar:

ClinVar aggregate classification (germline): Likely pathogenic (1 of 4 stars; one submission).

Conditions:
Hearing loss, autosomal dominant 90. Also called: Deafness, autosomal dominant 90. Identifiers: MedGen C5935579, MONDO:0958232, OMIM 620722.
Autosomal recessive nonsyndromic hearing loss 30. Identifiers: Orphanet 90636, MedGen C1846784, MONDO:0011774, OMIM 607101.

Submission:

Juno Genomics, Hangzhou Juno Genomics, Inc
Classification: Likely pathogenic for Hearing loss, autosomal dominant 90; Autosomal recessive nonsyndromic hearing loss 30. Review status: criteria provided, single submitter. Criteria: ACMG Guidelines, 2015. Collection method: clinical testing. Allele origin: germline.
Comment: Null variant in a gene where loss of function (LOF) is a known mechanism of disease.;Absent from controls (or at extremely low frequency if recessive) in Genome Aggregation Database.

NM_017433.5(MYO3A):c.2546del (p.Asp849fs)

Gene: MYO3A (myosin IIIA; plus strand). Cytogenetic location: 10p12.1.
Variant type: Deletion.
Coding change: c.2546del on transcript NM_017433.5 (MANE Select); coding-DNA position 2546, one base deleted (A; older notation c.2546delA).
Protein change: p.Asp849fs; shifts the reading frame from aspartic acid 849.
Molecular consequence: frameshift variant.
Genome position (GRCh38, 1-based): chr10:26,147,470, A deleted. VCF-style (leftmost placement, unchanged base first): chr10-26147469-GA-G. GRCh37 (hg19) VCF-style: chr10-26436398-GA-G.
Other names: short protein forms D849fs.
Identifiers: ClinVar variation 5007703 (VCV005007703.2).